The following is an entry in ClinVar:

NM_000051.4(ATM):c.1639A>G (p.Thr547Ala)

Gene: ATM (ATM serine/threonine kinase; plus strand). Cytogenetic location: 11q22.3.
Variant type: single nucleotide variant.
Coding change: c.1639A>G on transcript NM_000051.4 (MANE Select); coding-DNA position 1639, A replaced by G.
Protein change: p.Thr547Ala; replaces threonine 547 with alanine.
Molecular consequence: missense variant.
Genome position (GRCh38, 1-based): chr11:108,251,868, A>G. VCF-style: chr11-108251868-A-G. GRCh37 (hg19) VCF-style: chr11-108122595-A-G.
Other names: c.1639A>G, p.Thr547Ala (NM_001351834.2); short protein forms T547A.
Identifiers: ClinVar variation 819723 (VCV000819723.4), dbSNP rs1591527306, ClinGen allele CA382534528.
Genomic context (GRCh38, chr11:108,251,868, plus strand): 5'-TTTCACAATTGTCCTTTGTTTTGTTATAGTCCTGCAGTATGCTGTTTGACTTTGGCACTG[A>G]CCACCAGTATAGTTCCAGGAACGGTAAAAATGGGAATAGAGCAAAATATGTGTGAAGTAA-3'
Protein context (NP_000042.3, residues 537-557): PAVCCLTLAL[Thr547Ala]TSIVPGTVKM

ClinVar aggregate classification (germline): Uncertain significance (1 of 4 stars; one submission).

Conditions:
Hereditary cancer-predisposing syndrome. Also called: Neoplastic Syndromes, Hereditary; Tumor predisposition; Hereditary Cancer Syndrome; Hereditary neoplastic syndrome. Identifiers: Orphanet 140162, MedGen C0027672, MeSH D009386, MONDO:0015356.

Submission:

Ambry Genetics
Classification: Uncertain significance for Hereditary cancer-predisposing syndrome. Last evaluated: 2019-11-01. Review status: criteria provided, single submitter. Criteria: Ambry Variant Classification Scheme 2023. Collection method: clinical testing. Allele origin: germline.
Comment: The p.T547A variant (also known as c.1639A>G), located in coding exon 10 of the ATM gene, results from an A to G substitution at nucleotide position 1639. The threonine at codon 547 is replaced by alanine, an amino acid with similar properties. This amino acid position is not well conserved in available vertebrate species. In addition, this alteration is predicted to be tolerated by in silico analysis. Since supporting evidence is limited at this time, the clinical significance of this alteration remains unclear.